The following is an entry in ClinVar:

NM_006019.4(TCIRG1):c.384C>T (p.His128=)

Gene: TCIRG1 (T cell immune regulator 1, ATPase H+ transporting V0 subunit a3; plus strand). Cytogenetic location: 11q13.2.
Variant type: single nucleotide variant.
Coding change: c.384C>T on transcript NM_006019.4 (MANE Select); coding-DNA position 384, C replaced by T.
Protein change: p.His128=; no amino-acid change (histidine 128 retained).
Molecular consequence: synonymous variant. On other transcripts: 5 prime UTR variant (1).
Genome position (GRCh38, 1-based): chr11:68,042,830, C>T. VCF-style: chr11-68042830-C-T. GRCh37 (hg19) VCF-style: chr11-67810297-C-T.
Other names: p.His128=; c.-866C>T (NM_001351059.2).
Identifiers: ClinVar variation 197265 (VCV000197265.25), dbSNP rs3808973, ClinGen allele CA202785.

ClinVar aggregate classification (germline): Benign/Likely benign. Review status: criteria provided, multiple submitters, no conflicts (2 of 4 stars). 8 submissions from 8 submitters: Benign (6); Likely benign (1). 1 of the submissions does not count toward it. Last evaluated 2026-02-04.

Conditions:
Autosomal recessive osteopetrosis 1. Also called: TCIRG1-Related Autosomal Recessive Osteopetrosis; ALBERS-SCHONBERG DISEASE, AUTOSOMAL RECESSIVE; TCIRG1-Related Osteopetrosis. Identifiers: Orphanet 667, MedGen C1850127, MONDO:0009815, OMIM 259700.

Allele frequency attached by ClinVar (database versions not stated): ESP Exome Variant Server 0.03245; TOPMed 0.04676; 1000 Genomes Project 30x 0.05075; 1000 Genomes Project 0.05192.
gnomAD v4.1: 61,387 of 1,548,734 alleles (4%); highest among the groups gnomAD compares: East Asian, 9.3%; 1,430 homozygotes.

Submissions (8):

Labcorp Genetics (formerly Invitae), Labcorp
Classification: Benign. Last evaluated: 2026-02-04. Review status: criteria provided, single submitter. Criteria: Invitae Variant Classification Sherloc (09022015). Collection method: clinical testing. Allele origin: germline.

Blueprint Genetics
Classification: Likely benign. Last evaluated: 2024-11-27. Review status: criteria provided, single submitter. Criteria: ACMG Guidelines, 2015. Collection method: clinical testing. Allele origin: germline.

Mayo Clinic Laboratories, Mayo Clinic
Classification: Benign. Last evaluated: 2022-09-06. Review status: criteria provided, single submitter. Criteria: ACMG Guidelines, 2015. Collection method: clinical testing. Allele origin: germline. Observed: 4 variant alleles.

Genome-Nilou Lab
Classification: Benign for Autosomal recessive osteopetrosis 1. Last evaluated: 2021-07-10. Review status: criteria provided, single submitter. Criteria: ACMG Guidelines, 2015. Collection method: clinical testing. Allele origin: germline. Affected: no.

Illumina Laboratory Services, Illumina
Classification: Benign for Autosomal recessive osteopetrosis 1. Last evaluated: 2018-01-12. Review status: criteria provided, single submitter. Criteria: ICSL Variant Classification Criteria 13 December 2019. Collection method: clinical testing. Allele origin: germline.
Comment: This variant was observed in the ICSL laboratory as part of a predisposition screen in an ostensibly healthy population. It had not been previously curated by ICSL or reported in the Human Gene Mutation Database (HGMD: prior to June 1st, 2018), and was therefore a candidate for classification through an automated scoring system. Utilizing variant allele frequency, disease prevalence and penetrance estimates, and inheritance mode, an automated score was calculated to assess if this variant is too frequent to cause the disease. Based on the score and internal cut-off values, a variant classified as benign is not then subjected to further curation. The score for this variant resulted in a classification of benign for this disease.

Eurofins Ntd Llc (ga)
Classification: Benign. Last evaluated: 2015-01-21. Review status: criteria provided, single submitter. Criteria: EGL Classification Definitions 2015. Collection method: clinical testing. Allele origin: germline. Observed: 1 variant allele, 1 heterozygote.

Breakthrough Genomics
Classification: Benign. Review status: criteria provided, single submitter. Criteria: ACMG Guidelines, 2015. Collection method: not provided. Allele origin: germline. Inheritance: Autosomal recessive inheritance. Affected: yes.

Natera, Inc.
Classification: Benign for Infantile malignant osteopetrosis. Last evaluated: 2019-11-22. Review status: no assertion criteria provided. Collection method: clinical testing. Allele origin: germline. Not counted in ClinVar's aggregate classification.